The following is an entry in ClinVar:

NM_182961.4(SYNE1):c.9178A>G (p.Asn3060Asp)

Gene: SYNE1 (spectrin repeat containing nuclear envelope protein 1; minus strand). Cytogenetic location: 6q25.2.
Variant type: single nucleotide variant.
Coding change: c.9178A>G on transcript NM_182961.4 (MANE Select); coding-DNA position 9178, A replaced by G.
Protein change: p.Asn3060Asp; replaces asparagine 3060 with aspartic acid.
Molecular consequence: missense variant.
Genome position (GRCh38, 1-based): chr6:152,376,527, T>C on the plus strand (A>G on the coding strand, the complement: SYNE1 is on the minus strand). VCF-style: chr6-152376527-T-C. GRCh37 (hg19) VCF-style: chr6-152697662-T-C.
Other names: c.9199A>G, p.Asn3067Asp (NM_033071.5); short protein forms N3067D, N3060D.
Identifiers: ClinVar variation 2949782 (VCV002949782.3), dbSNP rs1409760095, ClinGen allele CA366141187.

ClinVar aggregate classification (germline): Uncertain significance (1 of 4 stars; one submission).

Conditions:
Emery-Dreifuss muscular dystrophy 4, autosomal dominant (EDMD4). Also called: EMERY-DREIFUSS MUSCULAR DYSTROPHY 4 WITH VARIABLE FEATURES. Identifiers: Orphanet 261, MedGen C2751807, MONDO:0013071, OMIM 612998.
Autosomal recessive ataxia, Beauce type. Also called: SYNE1-Related Autosomal Recessive Cerebellar Ataxia; SYNE1 Deficiency; Spinocerebellar ataxia, autosomal recessive 8; ATAXIA, RECESSIVE, OF BEAUCE. Identifiers: Orphanet 88644, MedGen C1853116, MONDO:0012549, OMIM 610743.

Submission:

Labcorp Genetics (formerly Invitae), Labcorp
Classification: Uncertain significance for Emery-Dreifuss muscular dystrophy 4, autosomal dominant; Autosomal recessive ataxia, Beauce type. Last evaluated: 2023-07-12. Review status: criteria provided, single submitter. Criteria: Invitae Variant Classification Sherloc (09022015). Collection method: clinical testing. Allele origin: germline.
Comment: An algorithm developed to predict the effect of missense changes on protein structure and function (PolyPhen-2) suggests that this variant is likely to be tolerated. In summary, the available evidence is currently insufficient to determine the role of this variant in disease. Therefore, it has been classified as a Variant of Uncertain Significance. This variant has not been reported in the literature in individuals affected with SYNE1-related conditions. This variant is not present in population databases (gnomAD no frequency). This sequence change replaces asparagine, which is neutral and polar, with aspartic acid, which is acidic and polar, at codon 3067 of the SYNE1 protein (p.Asn3067Asp).